The following is an entry in ClinVar:

ClinVar aggregate classification (germline): Uncertain significance (1 of 4 stars; one submission).

Conditions:
Cardiovascular phenotype. Identifiers: MedGen CN230736.

gnomAD v4.1: 1 of 1,614,036 alleles (0.000062%); no homozygotes.

Submission:

Ambry Genetics
Classification: Uncertain significance for Cardiovascular phenotype. Last evaluated: 2025-10-12. Review status: criteria provided, single submitter. Criteria: Ambry Variant Classification Scheme 2023. Collection method: clinical testing. Allele origin: germline.
Comment: The p.V3502I variant (also known as c.10504G>A), located in coding exon 38 of the ANK2 gene, results from a G to A substitution at nucleotide position 10504. The valine at codon 3502 is replaced by isoleucine, an amino acid with highly similar properties. This amino acid position is conserved. In addition, this alteration is predicted to be tolerated by in silico analysis. Based on the available evidence, the clinical significance of this variant remains unclear.

NM_001148.6(ANK2):c.10504G>A (p.Val3502Ile)

Gene: ANK2 (ankyrin 2; plus strand). Cytogenetic location: 4q26.
Variant type: single nucleotide variant.
Coding change: c.10504G>A on transcript NM_001148.6 (MANE Select); coding-DNA position 10504, G replaced by A.
Protein change: p.Val3502Ile; replaces valine 3502 with isoleucine.
Molecular consequence: missense variant. On other transcripts: intron variant (68).
Genome position (GRCh38, 1-based): chr4:113,359,122, G>A. VCF-style: chr4-113359122-G-A. GRCh37 (hg19) VCF-style: chr4-114280278-G-A.
Other names: c.10270G>A, p.Val3424Ile (NM_001386142.1); c.6904G>A, p.Val2302Ile (NM_001386166.1); c.10645G>A, p.Val3549Ile (NM_001386174.1); c.10621G>A, p.Val3541Ile (NM_001386175.1); c.4412-1701G>A (NM_001386186.2, NM_001386148.2); c.4214-1701G>A (NM_001354269.3); c.4292-1701G>A (NM_001386187.2); c.4253-1701G>A (NM_001386147.1); and 35 more; short protein forms V2302I, V3502I, V3541I, V3424I, V3549I.
Identifiers: ClinVar variation 4613551 (VCV004613551.1).